The following is an entry in ClinVar:

NM_014806.5(RUSC2):c.3465GCT[6] (p.Leu1160_Gln1161insLeu)

Gene: RUSC2 (RUN and SH3 domain containing 2; plus strand). Cytogenetic location: 9p13.3.
Variant type: Microsatellite.
Coding change: c.3465GCT[6] on transcript NM_014806.5 (MANE Select); six copies in a row of the 3-base unit GCT starting at c.3465; the reference has five copies in a row; one copy, 3 bases duplicated.
Protein change: p.Leu1160_Gln1161insLeu.
Molecular consequence: inframe insertion. On other transcripts: non-coding transcript variant (1).
Genome position (GRCh38, 1-based): chr9:35,560,117-35,560,119, GCT duplicated; duplicating any 3 consecutive bases within chr9:35,560,105-35,560,119 gives the same sequence; the position shown is the placement nearest the transcript's 3' end. VCF-style (leftmost placement, unchanged base first): chr9-35560104-A-AGCT. GRCh37 (hg19) VCF-style: chr9-35560101-A-AGCT.
Other names: c.3465GCT[6], p.Leu1160_Gln1161insLeu (NM_001135999.2); c.831GCT[6], p.Leu282_Gln283insLeu (NM_001330740.2).
Identifiers: ClinVar variation 1972048 (VCV001972048.2), dbSNP rs752247736, ClinGen allele CA2580616179.

ClinVar aggregate classification (germline): Uncertain significance (1 of 4 stars; one submission).

Submission:

Labcorp Genetics (formerly Invitae), Labcorp
Classification: Uncertain significance. Last evaluated: 2022-05-15. Review status: criteria provided, single submitter. Criteria: Invitae Variant Classification Sherloc (09022015). Collection method: clinical testing. Allele origin: germline.
Comment: This variant, c.3477_3479dup, results in the insertion of 1 amino acid(s) of the RUSC2 protein (p.Leu1160dup), but otherwise preserves the integrity of the reading frame. This variant is not present in population databases (gnomAD no frequency). This variant has not been reported in the literature in individuals affected with RUSC2-related conditions. In summary, the available evidence is currently insufficient to determine the role of this variant in disease. Therefore, it has been classified as a Variant of Uncertain Significance.